The following is an entry in ClinVar:

ClinVar aggregate classification (germline): Uncertain significance (1 of 4 stars; one submission).

gnomAD v4.1: 14 of 1,611,136 alleles (0.00087%); highest among the groups gnomAD compares: Non-Finnish European, 0.001%; no homozygotes.

Submission:

Women's Health and Genetics/Laboratory Corporation of America, LabCorp
Classification: Uncertain significance. Last evaluated: 2024-07-09. Review status: criteria provided, single submitter. Criteria: LabCorp Variant Classification Summary - May 2015. Collection method: clinical testing. Allele origin: germline.
Comment: Variant summary: KDM4B c.299G>T (p.Arg100Leu) results in a non-conservative amino acid change in the encoded protein sequence. Three of five in-silico tools predict a benign effect of the variant on protein function. The variant was absent in 247732 control chromosomes (gnomAD). The available data on variant occurrences in the general population are insufficient to allow any conclusion about variant significance. To our knowledge, no occurrence of c.299G>T in individuals affected with Intellectual Developmental Disorder, Autosomal Dominant 65 and no experimental evidence demonstrating its impact on protein function have been reported. No submitters have cited clinical-significance assessments for this variant to ClinVar. Based on the evidence outlined above, the variant was classified as uncertain significance.

NM_015015.3(KDM4B):c.299G>T (p.Arg100Leu)

Gene: KDM4B (lysine demethylase 4B; plus strand). Cytogenetic location: 19p13.3.
Variant type: single nucleotide variant.
Coding change: c.299G>T on transcript NM_015015.3 (MANE Select); coding-DNA position 299, G replaced by T.
Protein change: p.Arg100Leu; replaces arginine 100 with leucine.
Molecular consequence: missense variant.
Genome position (GRCh38, 1-based): chr19:5,039,993, G>T. VCF-style: chr19-5039993-G-T. GRCh37 (hg19) VCF-style: chr19-5040004-G-T.
Other names: c.299G>T, p.Arg100Leu (NM_001370093.1, NM_001370094.1, NM_001411148.1); short protein forms R100L.
Identifiers: ClinVar variation 3339021 (VCV003339021.1).